The following is an entry in ClinVar:

NM_001360016.2(G6PD):c.1441C>T (p.Pro481Ser)

Gene: G6PD (glucose-6-phosphate dehydrogenase; minus strand). Cytogenetic location: Xq28.
Variant type: single nucleotide variant.
Coding change: c.1441C>T on transcript NM_001360016.2 (MANE Select); coding-DNA position 1441, C replaced by T.
Protein change: p.Pro481Ser; replaces proline 481 with serine.
Molecular consequence: missense variant.
Genome position (GRCh38, 1-based): chrX:154,532,204, G>A on the plus strand (C>T on the coding strand, the complement: G6PD is on the minus strand). VCF-style: chrX-154532204-G-A. GRCh37 (hg19) VCF-style: chrX-153760419-G-A.
Other names: c.1531C>T, p.Pro511Ser (NM_000402.4); c.1441C>T, p.Pro481Ser (NM_001042351.3); short protein forms P511S, P481S.
Identifiers: ClinVar variation 2137205 (VCV002137205.3), dbSNP rs202122673, ClinGen allele CA10566011.

ClinVar aggregate classification (germline): Uncertain significance (1 of 4 stars; one submission).

Conditions:
Anemia, nonspherocytic hemolytic, due to G6PD deficiency (CNSHA1). Also called: Hemolytic anemia due to G6PD deficiency; Class I glucose-6-phosphate dehydrogenase deficiency; Favism, susceptibility to; ANEMIA, CONGENITAL, NONSPHEROCYTIC HEMOLYTIC, 1. Identifiers: Orphanet 466026, MedGen C2720289, MONDO:0010480, OMIM 300908.

Allele frequency attached by ClinVar (database versions not stated): ExAC 0.00005; gnomAD 0.00006; TOPMed 0.00007; gnomAD exomes 0.00011.
gnomAD v4.1: 136 of 1,209,809 alleles (0.011%); highest among the groups gnomAD compares: Non-Finnish European, 0.013%; no homozygotes.

Submission:

Labcorp Genetics (formerly Invitae), Labcorp
Classification: Uncertain significance for Anemia, nonspherocytic hemolytic, due to G6PD deficiency. Last evaluated: 2026-02-02. Review status: criteria provided, single submitter. Criteria: Invitae Variant Classification Sherloc (09022015). Collection method: clinical testing. Allele origin: germline.
Comment: This sequence change replaces proline, which is neutral and non-polar, with serine, which is neutral and polar, at codon 481 of the G6PD protein (p.Pro481Ser). This variant is present in population databases (rs202122673, gnomAD 0.01%). This variant has not been reported in the literature in individuals affected with G6PD-related conditions. ClinVar contains an entry for this variant (Variation ID: 2137205). Invitae Evidence Modeling of protein sequence and biophysical properties (such as structural, functional, and spatial information, amino acid conservation, physicochemical variation, residue mobility, and thermodynamic stability) indicates that this missense variant is expected to disrupt G6PD protein function with a positive predictive value of 95%. In summary, the available evidence is currently insufficient to determine the role of this variant in disease. Therefore, it has been classified as a Variant of Uncertain Significance.